The following is an entry in ClinVar:

ClinVar aggregate classification (germline): Conflicting classifications of pathogenicity. Review status: criteria provided, conflicting classifications (1 of 4 stars). 13 submissions from 13 submitters: Uncertain significance (9); Likely benign (1). 3 of the submissions do not count toward it. Last evaluated 2025-11-19.

Conditions:
Hereditary cancer-predisposing syndrome. Also called: Neoplastic Syndromes, Hereditary; Tumor predisposition; Hereditary neoplastic syndrome; Hereditary Cancer Syndrome. Identifiers: Orphanet 140162, MedGen C0027672, MeSH D009386, MONDO:0015356.
Hereditary breast ovarian cancer syndrome. Also called: Hereditary breast and ovarian cancer syndrome; Hereditary breast and ovarian cancer; Hereditary breast and ovarian cancer syndrome (HBOC); Breast and ovarian cancer; Hereditary breast and/or ovarian cancer syndrome; BRCA1- and BRCA2-Associated Hereditary Breast and Ovarian Cancer. Identifiers: Orphanet 145, MedGen C0677776, MeSH D061325, MONDO:0003582. Disease mechanism: loss of function.
Breast-ovarian cancer, familial, susceptibility to, 2 (BROVCA2). Also called: BRCA2 Hereditary Breast and Ovarian Cancer. Identifiers: Orphanet 145, MedGen C2675520, MONDO:0012933, OMIM 612555. Disease mechanism: loss of function.
Familial cancer of breast. Also called: BREAST CANCER, FAMILIAL; Hereditary breast cancer; hereditary breast carcinoma. Identifiers: Orphanet 227535, MedGen C0346153, MONDO:0016419, OMIM 114480. Disease mechanism: loss of function.

Allele frequency attached by ClinVar (database versions not stated): gnomAD exomes below 0.00001 and 0.00001; ExAC 0.00001; gnomAD 0.00001; TOPMed 0.00002.
gnomAD v4.1: 6 of 1,614,116 alleles (0.00037%); highest among the groups gnomAD compares: Admixed American, 0.0017%; no homozygotes.

Submissions (13):

Labcorp Genetics (formerly Invitae), Labcorp
Classification: Uncertain significance for Hereditary breast ovarian cancer syndrome. Last evaluated: 2025-11-19. Review status: criteria provided, single submitter. Criteria: Invitae Variant Classification Sherloc (09022015). Collection method: clinical testing. Allele origin: germline.
Comment: This sequence change replaces asparagine, which is neutral and polar, with serine, which is neutral and polar, at codon 2644 of the BRCA2 protein (p.Asn2644Ser). This variant is present in population databases (rs80359020, gnomAD 0.0009%). This missense change has been observed in individual(s) with breast cancer (PMID: 31780696). ClinVar contains an entry for this variant (Variation ID: 52439). Invitae Evidence Modeling of protein sequence and biophysical properties (such as structural, functional, and spatial information, amino acid conservation, physicochemical variation, residue mobility, and thermodynamic stability) indicates that this missense variant is not expected to disrupt BRCA2 protein function with a negative predictive value of 95%. In summary, the available evidence is currently insufficient to determine the role of this variant in disease. Therefore, it has been classified as a Variant of Uncertain Significance.

Quest Diagnostics Nichols Institute San Juan Capistrano
Classification: Uncertain significance. Last evaluated: 2025-09-15. Review status: criteria provided, single submitter. Criteria: Quest Diagnostics criteria. Collection method: clinical testing. Allele origin: unknown.
Comment: The BRCA2 c.7931A>G (p.Asn2644Ser) variant has been reported in an individual with breast cancer (PMID: 31780696 (2019)). Assessment of experimental evidence regarding the effect of this variant on protein function is inconclusive (PMID: 35190686 (2022)). The frequency of this variant in the general population (Genome Aggregation Database) is uninformative in the assessment of its pathogenicity. Analysis of this variant using bioinformatics tools for the prediction of the effect of amino acid changes on protein structure and function yielded predictions that this variant is benign. Based on the available information, we are unable to determine the clinical significance of this variant.

Institute for Biomarker Research, Medical Diagnostic Laboratories, L.L.C.
Classification: Uncertain significance for Hereditary breast ovarian cancer syndrome. Last evaluated: 2024-09-16. Review status: criteria provided, single submitter. Criteria: ACMG Guidelines, 2015. Collection method: clinical testing. Allele origin: germline.
Comment: The missense variant NM_000059.4(BRCA2):c.7931A>G (p.Asn2644Ser) has not been reported previously as a pathogenic variant nor as a benign variant, to our knowledge. The p.Asn2644Ser variant is observed in 1/113,608 (0.0009%) alleles from individuals of gnomAD Non Finnish European background in gnomAD. The p.Asn2644Ser variant is novel (not in any individuals) in 1kG. There is a small physicochemical difference between asparagine and serine, which is not likely to impact secondary protein structure as these residues share similar properties. The gene BRCA2 has a low rate of benign missense variation as indicated by a high missense variants Z-Score of 1.00. The p.Asn2644Ser variant is not predicted to introduce a novel splice site by any splice site algorithm. The serine residue at codon 2644 of BRCA2 is present in Guinea pig and 8 other mammalian species. The nucleotide c.7931 in BRCA2 is not conserved according to a GERP++ and PhyloP analysis of 100 vertebrates. For these reasons, this variant has been classified as Uncertain Significance

Women's Health and Genetics/Laboratory Corporation of America, LabCorp
Classification: Uncertain significance. Last evaluated: 2024-03-06. Review status: criteria provided, single submitter. Criteria: LabCorp Variant Classification Summary - May 2015. Collection method: clinical testing. Allele origin: germline.
Comment: Variant summary: BRCA2 c.7931A>G (p.Asn2644Ser) results in a conservative amino acid change located in the BRCA2 helical domain superfamily (IPR036315) of the encoded protein sequence. Five of five in-silico tools predict a benign effect of the variant on protein function. Also a bioinformatics method that integrates information from protein sequence, structure, and sequence conservation into a likelihood ratio predicted variant to be neutral (Karchin_2008). The variant allele was found at a frequency of 4e-06 in 251308 control chromosomes (gnomAD). The available data on variant occurrences in the general population are insufficient to allow any conclusion about variant significance. c.7931A>G has been reported in the literature in at-least one individual affected with breast cancer (Dutil_2019). This report does not provide unequivocal conclusions about association of the variant with Hereditary Breast And Ovarian Cancer Syndrome. To our knowledge, no experimental evidence demonstrating an impact on protein function has been reported. The following publications have been ascertained in the context of this evaluation (PMID: 31780696, 19043619). ClinVar contains an entry for this variant (Variation ID: 52439). Based on the evidence outlined above, the variant was classified as uncertain significance.

Baylor Genetics
Classification: Uncertain significance for Familial cancer of breast. Last evaluated: 2024-02-17. Review status: criteria provided, single submitter. Criteria: ACMG Guidelines, 2015. Collection method: clinical testing. Allele origin: unknown.

All of Us Research Program, National Institutes of Health
Classification: Uncertain significance for Breast-ovarian cancer, familial, susceptibility to, 2. Last evaluated: 2023-12-01. Review status: criteria provided, single submitter. Criteria: ACMG Guidelines, 2015. Collection method: clinical testing. Allele origin: germline. Inheritance: Autosomal dominant inheritance. Observed: 3 variant alleles, 3 heterozygotes.
Comment: This missense variant replaces asparagine with serine at codon 2644 of the BRCA2 protein. Computational prediction suggests that this variant may not impact protein structure and function (internally defined REVEL score threshold <= 0.5, PMID: 27666373). To our knowledge, functional studies have not been reported for this variant. This variant has been reported in an individual affected with breast cancer (PMID: 31780696) and in a multifactorial analysis with co-occurrence and family history likelihood ratios for pathogenicity of 1.0246 and 0.6533, respectively (PMID: 31131967). This variant has been identified in 1/251308 chromosomes in the general population by the Genome Aggregation Database (gnomAD). The available evidence is insufficient to determine the role of this variant in disease conclusively. Therefore, this variant is classified as a Variant of Uncertain Significance.

This study involves interpretation of variants in research participants for the purpose of population health screening. Participant phenotype was not available at the time of variant classification. Additional details can be found in publication PMID: 35346344, PMCID: PMC8962531

GeneDx
Classification: Uncertain significance. Last evaluated: 2023-11-02. Review status: criteria provided, single submitter. Criteria: GeneDx Variant Classification Process June 2021. Collection method: clinical testing. Allele origin: germline. Affected: yes.
Comment: Not observed at significant frequency in large population cohorts (gnomAD); Identified in a patient with breast cancer (PMID: 31780696); In silico analysis supports that this missense variant does not alter protein structure/function; Also known as 8159A>G; This variant is associated with the following publications: (PMID: 19043619, 31131967, 31911673, 29884841, 32377563, 31853058, 12228710, 31780696)

Color Diagnostics, LLC DBA Color Health
Classification: Uncertain significance for Hereditary cancer-predisposing syndrome. Last evaluated: 2022-12-05. Review status: criteria provided, single submitter. Criteria: ACMG Guidelines, 2015. Collection method: clinical testing. Allele origin: germline.
Comment: This missense variant replaces asparagine with serine at codon 2644 of the BRCA2 protein. Computational prediction suggests that this variant may not impact protein structure and function (internally defined REVEL score threshold <= 0.5, PMID: 27666373). To our knowledge, functional studies have not been reported for this variant. This variant has been reported in an individual affected with breast cancer (PMID: 31780696) and in a multifactorial analysis with co-occurrence and family history likelihood ratios for pathogenicity of 1.0246 and 0.6533, respectively (PMID: 31131967). This variant has been identified in 1/251308 chromosomes in the general population by the Genome Aggregation Database (gnomAD). The available evidence is insufficient to determine the role of this variant in disease conclusively. Therefore, this variant is classified as a Variant of Uncertain Significance.

Ambry Genetics
Classification: Likely benign for Hereditary cancer-predisposing syndrome. Last evaluated: 2022-01-05. Review status: criteria provided, single submitter. Criteria: Ambry Variant Classification Scheme 2023. Collection method: clinical testing. Allele origin: germline.

Genetic Services Laboratory, University of Chicago
Classification: Uncertain significance. Last evaluated: 2016-01-21. Review status: criteria provided, single submitter. Criteria: ACMG Guidelines, 2015. Collection method: clinical testing. Allele origin: germline. Affected: no.

Counsyl
Classification: Uncertain significance for Breast-ovarian cancer, familial, susceptibility to, 2. Last evaluated: 2016-12-21. Review status: no assertion criteria provided. Collection method: clinical testing. Allele origin: unknown. Not counted in ClinVar's aggregate classification.

Sharing Clinical Reports Project (SCRP)
Classification: Uncertain significance for Breast-ovarian cancer, familial 2. Last evaluated: 2007-04-02. Review status: no assertion criteria provided. Collection method: clinical testing. Allele origin: germline. Not counted in ClinVar's aggregate classification.

Breast Cancer Information Core (BIC) (BRCA2)
Classification: Uncertain significance for Breast-ovarian cancer, familial 2. Last evaluated: 2004-02-20. Review status: no assertion criteria provided. Collection method: clinical testing. Allele origin: germline. Affected: yes. Observed: 2 variant alleles. Not counted in ClinVar's aggregate classification.

Literature cited by the submitters: PubMed 31780696 (cited by 5 submitters); PubMed 19043619 (cited by 3 submitters); PubMed 35190686 (cited by Quest Diagnostics Nichols Institute San Juan Capistrano); PubMed 31853058 (cited by Quest Diagnostics Nichols Institute San Juan Capistrano); PubMed 31131967 (cited by All of Us Research Program, National Institutes of Health and Color Diagnostics, LLC DBA Color Health).

NM_000059.4(BRCA2):c.7931A>G (p.Asn2644Ser)

Gene: BRCA2 (BRCA2 DNA repair associated; plus strand). Cytogenetic location: 13q13.1.
Variant type: single nucleotide variant.
Coding change: c.7931A>G on transcript NM_000059.4 (MANE Select); coding-DNA position 7931, A replaced by G.
Protein change: p.Asn2644Ser; replaces asparagine 2644 with serine.
Molecular consequence: missense variant.
Genome position (GRCh38, 1-based): chr13:32,362,648, A>G. VCF-style: chr13-32362648-A-G. GRCh37 (hg19) VCF-style: chr13-32936785-A-G.
Other names: 8159A>G; short protein forms N2644S.
Identifiers: ClinVar variation 52439 (VCV000052439.32), dbSNP rs80359020, ClinGen allele CA025341.